The following is an entry in ClinVar:

NM_000426.4(LAMA2):c.7573-106G>C

Gene: LAMA2 (laminin subunit alpha 2; plus strand). Cytogenetic location: 6q22.33.
Variant type: single nucleotide variant.
Coding change: c.7573-106G>C on transcript NM_000426.4 (MANE Select); 106 bases into the intron before coding-DNA position 7573, G replaced by C.
Molecular consequence: intron variant.
Genome position (GRCh38, 1-based): chr6:129,481,157, G>C. VCF-style: chr6-129481157-G-C. GRCh37 (hg19) VCF-style: chr6-129802302-G-C.
Other names: c.7561-106G>C (NM_001079823.2).
Identifiers: ClinVar variation 682935 (VCV000682935.1), dbSNP rs2275214, ClinGen allele CA12305171.

ClinVar aggregate classification (germline): Benign (1 of 4 stars; one submission).

Allele frequency attached by ClinVar (database versions not stated): gnomAD 0.64638; 1000 Genomes Project 0.60962; 1000 Genomes Project 30x 0.60540; TOPMed 0.64528.
gnomAD v4.1: 595,577 of 852,508 alleles (70%); highest among the groups gnomAD compares: Non-Finnish European, 73%; 210,452 homozygotes.

Submission:

GeneDx
Classification: Benign. Last evaluated: 2018-06-14. Review status: criteria provided, single submitter. Criteria: GeneDx Variant Classification (06012015). Collection method: clinical testing. Allele origin: germline. Affected: yes.
Comment: This variant is considered likely benign or benign based on one or more of the following criteria: it is a conservative change, it occurs at a poorly conserved position in the protein, it is predicted to be benign by multiple in silico algorithms, and/or has population frequency not consistent with disease.